The following is an entry in ClinVar:

ClinVar aggregate classification (germline): Uncertain significance (1 of 4 stars; one submission).

Conditions:
Immunodeficiency 39 (IMD39). Identifiers: Orphanet 574918, MedGen C4225358, MONDO:0014597, OMIM 616345.

Allele frequency attached by ClinVar (database versions not stated): 1000 Genomes Project 0.00020; 1000 Genomes Project 30x 0.00031; ExAC 0.00052; gnomAD exomes 0.00052; gnomAD 0.00069 and 0.00070; TOPMed 0.00071; ESP Exome Variant Server 0.00100.
gnomAD v4.1: 1,076 of 1,613,048 alleles (0.067%); highest among the groups gnomAD compares: African/African-American, 0.099%; no homozygotes.

Submission:

Labcorp Genetics (formerly Invitae), Labcorp
Classification: Uncertain significance for Immunodeficiency 39. Last evaluated: 2026-01-12. Review status: criteria provided, single submitter. Criteria: Invitae Variant Classification Sherloc (09022015). Collection method: clinical testing. Allele origin: germline.
Comment: This sequence change replaces glycine, which is neutral and non-polar, with glutamic acid, which is acidic and polar, at codon 227 of the IRF7 protein (p.Gly227Glu). This variant is present in population databases (rs140823442, gnomAD 0.2%), and has an allele count higher than expected for a pathogenic variant. This variant has not been reported in the literature in individuals affected with IRF7-related conditions. ClinVar contains an entry for this variant (Variation ID: 639623). Invitae Evidence Modeling of protein sequence and biophysical properties (such as structural, functional, and spatial information, amino acid conservation, physicochemical variation, residue mobility, and thermodynamic stability) indicates that this missense variant is not expected to disrupt IRF7 protein function with a negative predictive value of 80%. In summary, the available evidence is currently insufficient to determine the role of this variant in disease. Therefore, it has been classified as a Variant of Uncertain Significance.

NM_001572.5(IRF7):c.641G>A (p.Gly214Glu)

Gene: IRF7 (interferon regulatory factor 7; minus strand). Cytogenetic location: 11p15.5.
Variant type: single nucleotide variant.
Coding change: c.641G>A on transcript NM_001572.5 (MANE Select); coding-DNA position 641, G replaced by A.
Protein change: p.Gly214Glu; replaces glycine 214 with glutamic acid.
Molecular consequence: missense variant.
Genome position (GRCh38, 1-based): chr11:614,212, C>T on the plus strand (G>A on the coding strand, the complement: IRF7 is on the minus strand). VCF-style: chr11-614212-C-T. GRCh37 (hg19) VCF-style: chr11-614212-C-T.
Other names: c.641G>A, p.Gly214Glu (LRG_1313t1, NM_004029.4); c.680G>A, p.Gly227Glu (NM_004031.4); short protein forms G214E, G227E.
Identifiers: ClinVar variation 639623 (VCV000639623.9), dbSNP rs140823442, ClinGen allele CA5783881.
Genomic context (GRCh38, chr11:614,212, plus strand): 5'-CCCTCCCCGGGCACGCCCACACCTCCAGCACAGGCCCCAGTCAGGGGAAGCCCTTCTTGT[C>T]CCTCTCCAGGAGCCTTGGTTGGGACTGGATCTGCCCCCCATGACGCTGTCAGCAGATGGT-3'
Protein context (NP_001563.2, residues 204-224): DPVPTKAPGE[Gly214Glu]QEGLPLTGAC